The following is an entry in ClinVar:

ClinVar aggregate classification (germline): Uncertain significance (1 of 4 stars; one submission).

Conditions:
Candidiasis, familial, 6 (CANDF6). Also called: Candidiasis, familial, 6, autosomal dominant. Identifiers: Orphanet 1334, MedGen C3151405, MONDO:0013503, OMIM 613956.

Allele frequency attached by ClinVar (database versions not stated): gnomAD exomes below 0.00001; TOPMed 0.00001.

Submission:

Labcorp Genetics (formerly Invitae), Labcorp
Classification: Uncertain significance for Candidiasis, familial, 6. Last evaluated: 2024-04-15. Review status: criteria provided, single submitter. Criteria: Invitae Variant Classification Sherloc (09022015). Collection method: clinical testing. Allele origin: germline.
Comment: This sequence change replaces methionine, which is neutral and non-polar, with valine, which is neutral and non-polar, at codon 11 of the IL17F protein (p.Met11Val). This variant is not present in population databases (gnomAD no frequency). This variant has not been reported in the literature in individuals affected with IL17F-related conditions. Algorithms developed to predict the effect of missense changes on protein structure and function output the following: SIFT: "Not Available"; PolyPhen-2: "Benign"; Align-GVGD: "Not Available". The valine amino acid residue is found in multiple mammalian species, which suggests that this missense change does not adversely affect protein function. In summary, the available evidence is currently insufficient to determine the role of this variant in disease. Therefore, it has been classified as a Variant of Uncertain Significance.

NM_052872.4(IL17F):c.31A>G (p.Met11Val)

Gene: IL17F (interleukin 17F; minus strand). Cytogenetic location: 6p12.2.
Variant type: single nucleotide variant.
Coding change: c.31A>G on transcript NM_052872.4 (MANE Select); coding-DNA position 31, A replaced by G.
Protein change: p.Met11Val; replaces methionine 11 with valine.
Molecular consequence: missense variant.
Genome position (GRCh38, 1-based): chr6:52,244,399, T>C on the plus strand (A>G on the coding strand, the complement: IL17F is on the minus strand). VCF-style: chr6-52244399-T-C. GRCh37 (hg19) VCF-style: chr6-52109197-T-C.
Other names: short protein forms M11V.
Identifiers: ClinVar variation 2915883 (VCV002915883.3), dbSNP rs1764125615, ClinGen allele CA364445345.